The following is an entry in ClinVar:

NM_000317.3(PTS):c.196G>A (p.Ala66Thr)

Gene: PTS (6-pyruvoyltetrahydropterin synthase; plus strand). Cytogenetic location: 11q23.1.
Variant type: single nucleotide variant.
Coding change: c.196G>A on transcript NM_000317.3 (MANE Select); coding-DNA position 196, G replaced by A.
Protein change: p.Ala66Thr; replaces alanine 66 with threonine.
Molecular consequence: missense variant.
Genome position (GRCh38, 1-based): chr11:112,230,635, G>A. VCF-style: chr11-112230635-G-A. GRCh37 (hg19) VCF-style: chr11-112101358-G-A.
Other names: short protein forms A66T.
Identifiers: ClinVar variation 2778362 (VCV002778362.3), dbSNP rs2496567541, ClinGen allele CA382627629.

ClinVar aggregate classification (germline): Uncertain significance (1 of 4 stars; one submission).

Conditions:
6-Pyruvoyl-tetrahydrobiopterin synthase deficiency. Also called: 6-Pyruvoyltetrahydropterin Synthase Deficiency; BH4-deficient hyperphenylalaninemia A; HYPERPHENYLALANINEMIA, TETRAHYDROBIOPTERIN-DEFICIENT, DUE TO PTS DEFICIENCY; Hyperphenylalanemia, BH4-deficient, A; Hyperphenylalaninemia due to 6-pyruvoyl-tetrahydropterin synthase deficiency; PTS-Related Tetrahydrobiopterin Deficiency. Identifiers: Orphanet 13, Orphanet 238583, MedGen C0878676, MONDO:0009863, OMIM 261640.

Submission:

Labcorp Genetics (formerly Invitae), Labcorp
Classification: Uncertain significance for 6-Pyruvoyl-tetrahydrobiopterin synthase deficiency. Last evaluated: 2023-08-10. Review status: criteria provided, single submitter. Criteria: Invitae Variant Classification Sherloc (09022015). Collection method: clinical testing. Allele origin: germline.
Comment: This sequence change replaces alanine, which is neutral and non-polar, with threonine, which is neutral and polar, at codon 66 of the PTS protein (p.Ala66Thr). This variant is not present in population databases (gnomAD no frequency). This variant has not been reported in the literature in individuals affected with PTS-related conditions. An algorithm developed to predict the effect of missense changes on protein structure and function (PolyPhen-2) suggests that this variant is likely to be tolerated. In summary, the available evidence is currently insufficient to determine the role of this variant in disease. Therefore, it has been classified as a Variant of Uncertain Significance.